The following is an entry in ClinVar:

NM_001370259.2(MEN1):c.1777T>C (p.Ser593Pro)

Gene: MEN1 (menin 1; minus strand). Cytogenetic location: 11q13.1.
Variant type: single nucleotide variant.
Coding change: c.1777T>C on transcript NM_001370259.2 (MANE Select); coding-DNA position 1777, T replaced by C.
Protein change: p.Ser593Pro; replaces serine 593 with proline.
Molecular consequence: missense variant.
Genome position (GRCh38, 1-based): chr11:64,804,390, A>G on the plus strand (T>C on the coding strand, the complement: MEN1 is on the minus strand). VCF-style: chr11-64804390-A-G. GRCh37 (hg19) VCF-style: chr11-64571862-A-G.
Other names: c.1792T>C, p.Ser598Pro (NM_130803.3, NM_130804.3, NM_130800.3 and 3 more transcripts); c.1903T>C, p.Ser635Pro (NM_001370251.2); c.1777T>C, p.Ser593Pro (NM_001370260.2, NM_001370261.2, NM_130799.3); c.1672T>C, p.Ser558Pro (NM_001370262.2, NM_001370263.2); short protein forms S593P, S598P, S558P, S635P.
Identifiers: ClinVar variation 575287 (VCV000575287.11), dbSNP rs1411766225, ClinGen allele CA381177338.

ClinVar aggregate classification (germline): Conflicting classifications of pathogenicity. Review status: criteria provided, conflicting classifications (1 of 4 stars). 3 submissions from 3 submitters: Uncertain significance (2); Likely benign (1). Last evaluated 2024-11-26.

Conditions:
Hereditary cancer-predisposing syndrome. Also called: Hereditary neoplastic syndrome; Tumor predisposition; Hereditary Cancer Syndrome; Neoplastic Syndromes, Hereditary. Identifiers: Orphanet 140162, MedGen C0027672, MeSH D009386, MONDO:0015356.
Multiple endocrine neoplasia, type 1 (MEN1). Also called: MEN I; WERMER SYNDROME; Endocrine adenomatosis multiple; MEN 1; MEA I. Identifiers: Orphanet 652, MedGen C0025267, MeSH D018761, MONDO:0007540, OMIM 131100.

Allele frequency attached by ClinVar (database versions not stated): gnomAD exomes below 0.00001 and 0.00001; gnomAD 0.00001; TOPMed 0.00003.
gnomAD v4.1: 4 of 1,613,990 alleles (0.00025%); highest among the groups gnomAD compares: Admixed American, 0.0067%; no homozygotes.

Submissions (3):

Labcorp Genetics (formerly Invitae), Labcorp
Classification: Uncertain significance for Multiple endocrine neoplasia, type 1. Last evaluated: 2024-11-26. Review status: criteria provided, single submitter. Criteria: Invitae Variant Classification Sherloc (09022015). Collection method: clinical testing. Allele origin: germline.
Comment: This sequence change replaces serine, which is neutral and polar, with proline, which is neutral and non-polar, at codon 593 of the MEN1 protein (p.Ser593Pro). This variant is present in population databases (no rsID available, gnomAD 0.006%). This variant has not been reported in the literature in individuals affected with MEN1-related conditions. ClinVar contains an entry for this variant (Variation ID: 575287). Invitae Evidence Modeling of protein sequence and biophysical properties (such as structural, functional, and spatial information, amino acid conservation, physicochemical variation, residue mobility, and thermodynamic stability) has been performed for this missense variant. However, the output from this modeling did not meet the statistical confidence thresholds required to predict the impact of this variant on MEN1 protein function. In summary, the available evidence is currently insufficient to determine the role of this variant in disease. Therefore, it has been classified as a Variant of Uncertain Significance.

Baylor Genetics
Classification: Uncertain significance for Multiple Endocrine Neoplasia Type 1. Last evaluated: 2023-07-20. Review status: criteria provided, single submitter. Criteria: ACMG Guidelines, 2015. Collection method: clinical testing. Allele origin: unknown.

Ambry Genetics
Classification: Likely benign for Hereditary cancer-predisposing syndrome. Last evaluated: 2023-05-04. Review status: criteria provided, single submitter. Criteria: Ambry Variant Classification Scheme 2023. Collection method: clinical testing. Allele origin: germline.